The following is an entry in ClinVar:

ClinVar aggregate classification (germline): Uncertain significance. Review status: criteria provided, multiple submitters, no conflicts (2 of 4 stars). 2 submissions from 2 submitters: Uncertain significance (2). Last evaluated 2025-02-06.

Conditions:
Inborn genetic diseases. Identifiers: MedGen C0950123, MeSH D030342.
Hereditary spastic paraplegia 48. Also called: SPASTIC PARAPLEGIA 48, AUTOSOMAL RECESSIVE; Spastic paraplegia 48. Identifiers: Orphanet 306511, MedGen C3150901, MONDO:0013342, OMIM 613647.

Allele frequency attached by ClinVar (database versions not stated): gnomAD exomes 0.00001; ESP Exome Variant Server 0.00008; 1000 Genomes Project 30x 0.00016; 1000 Genomes Project 0.00020.

Submissions (2):

Ambry Genetics
Classification: Uncertain significance for Inborn genetic diseases. Last evaluated: 2025-02-06. Review status: criteria provided, single submitter. Criteria: Ambry Variant Classification Scheme 2023. Collection method: clinical testing. Allele origin: germline.

Labcorp Genetics (formerly Invitae), Labcorp
Classification: Uncertain significance for Hereditary spastic paraplegia 48. Last evaluated: 2022-07-04. Review status: criteria provided, single submitter. Criteria: Invitae Variant Classification Sherloc (09022015). Collection method: clinical testing. Allele origin: germline.
Comment: This sequence change replaces glycine, which is neutral and non-polar, with serine, which is neutral and polar, at codon 229 of the AP5Z1 protein (p.Gly229Ser). The frequency data for this variant in the population databases is considered unreliable, as metrics indicate poor data quality at this position in the gnomAD database. This variant has not been reported in the literature in individuals affected with AP5Z1-related conditions. Algorithms developed to predict the effect of missense changes on protein structure and function are either unavailable or do not agree on the potential impact of this missense change (SIFT: "Deleterious"; PolyPhen-2: "Benign"; Align-GVGD: "Class C55"). In summary, the available evidence is currently insufficient to determine the role of this variant in disease. Therefore, it has been classified as a Variant of Uncertain Significance.

NM_014855.3(AP5Z1):c.685G>A (p.Gly229Ser)

Gene: AP5Z1 (adaptor related protein complex 5 subunit zeta 1; plus strand). Cytogenetic location: 7p22.1.
Variant type: single nucleotide variant.
Coding change: c.685G>A on transcript NM_014855.3 (MANE Select); coding-DNA position 685, G replaced by A.
Protein change: p.Gly229Ser; replaces glycine 229 with serine.
Molecular consequence: missense variant. On other transcripts: non-coding transcript variant (1).
Genome position (GRCh38, 1-based): chr7:4,784,266, G>A. VCF-style: chr7-4784266-G-A. GRCh37 (hg19) VCF-style: chr7-4823897-G-A.
Other names: c.217G>A, p.Gly73Ser (NM_001364858.1); c.685G>A (NM_014855.2); short protein forms G229S, G73S.
Identifiers: ClinVar variation 2051650 (VCV002051650.4), dbSNP rs377620768, ClinGen allele CA153021375.
Genomic context (GRCh38, chr7:4,784,266, plus strand): 5'-GGCCCCGTCACCGAGGTGGACGGGGCGGTAGCCACAGACTTCTTCACGGTGCTCTCCAGC[G>A]GCCACCGCTTCACAGACGACCAGTGGCTGAACGTGCAGGCCTTCTCTATGCTGCGGGCGT-3'
Protein context (NP_055670.1, residues 219-239): ATDFFTVLSS[Gly229Ser]HRFTDDQWLN